The following is an entry in ClinVar:

ClinVar aggregate classification (germline): Benign. Review status: criteria provided, multiple submitters, no conflicts (2 of 4 stars). 7 submissions from 7 submitters: Benign (7). Last evaluated 2023-07-07.

Conditions:
Pancreatic adenocarcinoma. Identifiers: MedGen C0281361, MONDO:0006047, HP:0006725.
Pancreatic cancer, susceptibility to, 1. Identifiers: Orphanet 1333, MedGen C1847351, MONDO:0011739, OMIM 606856.

Allele frequency attached by ClinVar (database versions not stated): TOPMed 0.27484; ExAC 0.28407; gnomAD 0.29323 and 0.28893; ESP Exome Variant Server 0.29440; gnomAD exomes 0.27981 and 0.30990; 1000 Genomes Project 30x 0.23282; 1000 Genomes Project 0.23602.
gnomAD v4.1: 496,163 of 1,613,828 alleles (31%); highest among the groups gnomAD compares: Non-Finnish European, 32%; 78,287 homozygotes.

Submissions (7):

KCCC/NGS Laboratory, Kuwait Cancer Control Center
Classification: Benign for Pancreatic cancer, susceptibility to, 1. Last evaluated: 2023-07-07. Review status: criteria provided, single submitter. Criteria: ACMG Guidelines, 2015. Collection method: clinical testing. Allele origin: germline. Affected: yes.

Labcorp Genetics (formerly Invitae), Labcorp
Classification: Benign for Pancreatic adenocarcinoma. Last evaluated: 2022-11-22. Review status: criteria provided, single submitter. Criteria: Invitae Variant Classification Sherloc (09022015). Collection method: clinical testing. Allele origin: germline.

Ambry Genetics
Classification: Benign. Last evaluated: 2020-07-30. Review status: criteria provided, single submitter. Criteria: Ambry Variant Classification Scheme 2023. Collection method: clinical testing. Allele origin: germline.

Illumina Laboratory Services, Illumina
Classification: Benign for Pancreatic cancer, susceptibility to, 1. Last evaluated: 2018-01-13. Review status: criteria provided, single submitter. Criteria: ICSL Variant Classification Criteria 13 December 2019. Collection method: clinical testing. Allele origin: germline.
Comment: This variant was observed in the ICSL laboratory as part of a predisposition screen in an ostensibly healthy population. It had not been previously curated by ICSL or reported in the Human Gene Mutation Database (HGMD: prior to June 1st, 2018), and was therefore a candidate for classification through an automated scoring system. Utilizing variant allele frequency, disease prevalence and penetrance estimates, and inheritance mode, an automated score was calculated to assess if this variant is too frequent to cause the disease. Based on the score and internal cut-off values, a variant classified as benign is not then subjected to further curation. The score for this variant resulted in a classification of benign for this disease.

Laboratory for Molecular Medicine, Mass General Brigham Personalized Medicine
Classification: Benign. Last evaluated: 2016-03-28. Review status: criteria provided, single submitter. Criteria: LMM Criteria. Collection method: clinical testing. Allele origin: germline.
Comment: Variant identified in a genome or exome case(s) and assessed due to predicted null impact of the variant or pathogenic assertions in the literature or databases. Disclaimer: This variant has not undergone full assessment. The following are preliminary notes: Frequency

GeneDx
Classification: Benign. Last evaluated: 2015-03-03. Review status: criteria provided, single submitter. Criteria: GeneDx Variant Classification Process June 2021. Collection method: clinical testing. Allele origin: germline. Affected: yes.

Breakthrough Genomics
Classification: Benign. Review status: criteria provided, single submitter. Criteria: ACMG Guidelines, 2015. Collection method: not provided. Allele origin: germline. Inheritance: Autosomal dominant inheritance. Affected: yes.

NM_001166108.2(PALLD):c.186G>A (p.Lys62=)

Gene: PALLD (palladin, cytoskeletal associated protein; plus strand). Cytogenetic location: 4q32.3.
Variant type: single nucleotide variant.
Coding change: c.186G>A on transcript NM_001166108.2 (MANE Select); coding-DNA position 186, G replaced by A.
Protein change: p.Lys62=; no amino-acid change (lysine 62 retained).
Molecular consequence: synonymous variant.
Genome position (GRCh38, 1-based): chr4:168,511,690, G>A. VCF-style: chr4-168511690-G-A. GRCh37 (hg19) VCF-style: chr4-169432841-G-A.
Other names: c.186G>A, p.Lys62= (NM_016081.4).
Identifiers: ClinVar variation 348027 (VCV000348027.20), dbSNP rs1806729, ClinGen allele CA3135311.